The following is an entry in ClinVar:

ClinVar aggregate classification (germline): Uncertain significance. Review status: criteria provided, multiple submitters, no conflicts (2 of 4 stars). 2 submissions from 2 submitters: Uncertain significance (2). Last evaluated 2023-10-27.

Submissions (2):

Blueprint Genetics
Classification: Uncertain significance. Last evaluated: 2023-10-27. Review status: criteria provided, single submitter. Criteria: ACMG Guidelines, 2015. Collection method: clinical testing. Allele origin: germline.

GeneDx
Classification: Uncertain significance. Last evaluated: 2020-10-16. Review status: criteria provided, single submitter. Criteria: GeneDx Variant Classification Process June 2021. Collection method: clinical testing. Allele origin: germline. Affected: yes.
Comment: Not observed in large population cohorts (Lek et al., 2016); In silico analysis supports that this missense variant has a deleterious effect on protein structure/function; Has not been previously published as pathogenic or benign to our knowledge

NM_000352.6(ABCC8):c.2153G>T (p.Gly718Val)

Gene: ABCC8 (ATP binding cassette subfamily C member 8; minus strand). Cytogenetic location: 11p15.1.
Variant type: single nucleotide variant.
Coding change: c.2153G>T on transcript NM_000352.6 (MANE Select); coding-DNA position 2153, G replaced by T.
Protein change: p.Gly718Val; replaces glycine 718 with valine.
Molecular consequence: missense variant. On other transcripts: non-coding transcript variant (1).
Genome position (GRCh38, 1-based): chr11:17,427,118, C>A on the plus strand (G>T on the coding strand, the complement: ABCC8 is on the minus strand). VCF-style: chr11-17427118-C-A. GRCh37 (hg19) VCF-style: chr11-17448665-C-A.
Other names: c.2153G>T, p.Gly718Val (NM_001287174.3); c.2219G>T, p.Gly740Val (NM_001351295.2); c.2150G>T, p.Gly717Val (NM_001351296.2, NM_001351297.2); short protein forms G717V, G718V, G740V.
Identifiers: ClinVar variation 1313315 (VCV001313315.3), dbSNP rs2133531880, ClinGen allele CA379813682.